The following is an entry in ClinVar:

NM_001242896.3(DEPDC5):c.1964C>T (p.Ser655Phe)

Gene: DEPDC5 (DEP domain containing 5, GATOR1 subcomplex subunit; plus strand). Cytogenetic location: 22q12.3.
Variant type: single nucleotide variant.
Coding change: c.1964C>T on transcript NM_001242896.3 (MANE Select); coding-DNA position 1964, C replaced by T.
Protein change: p.Ser655Phe; replaces serine 655 with phenylalanine.
Molecular consequence: missense variant. On other transcripts: non-coding transcript variant (4), intron variant (3).
Genome position (GRCh38, 1-based): chr22:31,821,595, C>T. VCF-style: chr22-31821595-C-T. GRCh37 (hg19) VCF-style: chr22-32217581-C-T.
Other names: c.1964C>T, p.Ser655Phe (NM_001136029.4, NM_001363852.2, NM_001364318.2 and 3 more transcripts); c.1880C>T, p.Ser627Phe (NM_001369901.1, NM_001369902.1); c.1870+2370C>T (NM_001363854.2, NM_001242897.2, NM_001364319.2); c.1964C>T (NM_001242896.1); short protein forms S627F, S655F.
Identifiers: ClinVar variation 1096576 (VCV001096576.11), dbSNP rs762037579, ClinGen allele CA10196516.
Genomic context (GRCh38, chr22:31,821,595, plus strand): 5'-AGACCCGACAGAATATGGCGGAGCTACAAGGCAGCGGGCAGAGGGATCCAACTCACTCCT[C>T]TGCAGAGCTGCTGGAGTTAGCATATCATGAAGCTGCTGGAAGGTGAGGATGTGCACAGGG-3'
Protein context (NP_001229825.1, residues 645-665): GSGQRDPTHS[Ser655Phe]AELLELAYHE

ClinVar aggregate classification (germline): Conflicting classifications of pathogenicity. Review status: criteria provided, conflicting classifications (1 of 4 stars). 2 submissions from 2 submitters: Uncertain significance (1); Likely benign (1). Last evaluated 2024-12-17.

Conditions:
Familial focal epilepsy with variable foci (FPEVF). Identifiers: Orphanet 98820, MedGen C1858477, MONDO:0020310.
Epilepsy, familial focal, with variable foci 1 (FFEVF1). Also called: DEPDC5-Related Epilepsy. Identifiers: MedGen C4551983, MONDO:0024556, OMIM 604364.

Allele frequency attached by ClinVar (database versions not stated): gnomAD exomes 0.00002 and 0.00011; TOPMed 0.00003; gnomAD 0.00006; ExAC 0.00014.
gnomAD v4.1: 45 of 1,614,058 alleles (0.0028%); highest among the groups gnomAD compares: East Asian, 0.06%; 1 homozygote.

Submissions (2):

Labcorp Genetics (formerly Invitae), Labcorp
Classification: Likely benign for Familial focal epilepsy with variable foci. Last evaluated: 2024-12-17. Review status: criteria provided, single submitter. Criteria: Invitae Variant Classification Sherloc (09022015). Collection method: clinical testing. Allele origin: germline.

Juno Genomics, Hangzhou Juno Genomics, Inc
Classification: Uncertain significance for Epilepsy, familial focal, with variable foci 1. Review status: criteria provided, single submitter. Criteria: ACMG Guidelines, 2015. Collection method: clinical testing. Allele origin: germline. Affected: yes.
Comment: Absent from controls (or at extremely low frequency if recessive) in Genome Aggregation Database, Exome Sequencing Project, 1000 Genomes Project, or Exome Aggregation Consortium.